The following is an entry in ClinVar:

NM_033305.3(VPS13A):c.7705A>G (p.Met2569Val)

Gene: VPS13A (vacuolar protein sorting 13 homolog A; plus strand). Cytogenetic location: 9q21.2.
Variant type: single nucleotide variant.
Coding change: c.7705A>G on transcript NM_033305.3 (MANE Select); coding-DNA position 7705, A replaced by G.
Protein change: p.Met2569Val; replaces methionine 2569 with valine.
Molecular consequence: missense variant.
Genome position (GRCh38, 1-based): chr9:77,356,766, A>G. VCF-style: chr9-77356766-A-G. GRCh37 (hg19) VCF-style: chr9-79971682-A-G.
Other names: c.7588A>G, p.Met2530Val (NM_001018037.2); c.7705A>G, p.Met2569Val (NM_001018038.3, NM_015186.4); short protein forms M2530V, M2569V.
Identifiers: ClinVar variation 1416205 (VCV001416205.4), dbSNP rs770600544, ClinGen allele CA5093405.

ClinVar aggregate classification (germline): Uncertain significance (1 of 4 stars; one submission).

Allele frequency attached by ClinVar (database versions not stated): gnomAD exomes below 0.00001; ExAC 0.00001; gnomAD 0.00001.
gnomAD v4.1: 12 of 1,613,736 alleles (0.00074%); highest among the groups gnomAD compares: East Asian, 0.0022%; no homozygotes.

Submission:

Labcorp Genetics (formerly Invitae), Labcorp
Classification: Uncertain significance. Last evaluated: 2025-04-08. Review status: criteria provided, single submitter. Criteria: Invitae Variant Classification Sherloc (09022015). Collection method: clinical testing. Allele origin: germline.
Comment: This sequence change replaces methionine, which is neutral and non-polar, with valine, which is neutral and non-polar, at codon 2569 of the VPS13A protein (p.Met2569Val). This variant is present in population databases (rs770600544, gnomAD 0.004%). This variant has not been reported in the literature in individuals affected with VPS13A-related conditions. ClinVar contains an entry for this variant (Variation ID: 1416205). Invitae Evidence Modeling of protein sequence and biophysical properties (such as structural, functional, and spatial information, amino acid conservation, physicochemical variation, residue mobility, and thermodynamic stability) indicates that this missense variant is expected to disrupt VPS13A protein function with a positive predictive value of 80%. In summary, the available evidence is currently insufficient to determine the role of this variant in disease. Therefore, it has been classified as a Variant of Uncertain Significance.